The following is an entry in ClinVar:

ClinVar aggregate classification (germline): Benign. Review status: criteria provided, multiple submitters, no conflicts (2 of 4 stars). 3 submissions from 3 submitters: Benign (2). 1 of the submissions does not count toward it. Last evaluated 2019-12-31.

Conditions:
SRGAP3-related disorder. Also called: SRGAP3-related condition.

Allele frequency attached by ClinVar (database versions not stated): ExAC 0.00385; ESP Exome Variant Server 0.01269; gnomAD 0.01316 and 0.01407; 1000 Genomes Project 0.01358; TOPMed 0.01476; 1000 Genomes Project 30x 0.01608.
gnomAD v4.1: 4,126 of 1,614,246 alleles (0.26%); highest among the groups gnomAD compares: African/African-American, 4.4%; 95 homozygotes.

Submissions (3):

Labcorp Genetics (formerly Invitae), Labcorp
Classification: Benign. Last evaluated: 2019-12-31. Review status: criteria provided, single submitter. Criteria: Invitae Variant Classification Sherloc (09022015). Collection method: clinical testing. Allele origin: germline.

Breakthrough Genomics
Classification: Benign. Review status: criteria provided, single submitter. Criteria: ACMG Guidelines, 2015. Collection method: not provided. Allele origin: germline. Inheritance: Unknown mechanism. Affected: yes.

PreventionGenetics, part of Exact Sciences
Classification: Benign for SRGAP3-related condition. Last evaluated: 2019-02-26. Review status: no assertion criteria provided. Collection method: clinical testing. Allele origin: germline. Not counted in ClinVar's aggregate classification.
Comment: This variant is classified as benign based on ACMG/AMP sequence variant interpretation guidelines (Richards et al. 2015 PMID: 25741868, with internal and published modifications).

NM_014850.4(SRGAP3):c.975C>G (p.Val325=)

Gene: SRGAP3 (SLIT-ROBO Rho GTPase activating protein 3; minus strand). Cytogenetic location: 3p25.3.
Variant type: single nucleotide variant.
Coding change: c.975C>G on transcript NM_014850.4 (MANE Select); coding-DNA position 975, C replaced by G.
Protein change: p.Val325=; no amino-acid change (valine 325 retained).
Molecular consequence: synonymous variant.
Genome position (GRCh38, 1-based): chr3:9,058,299, G>C on the plus strand (C>G on the coding strand, the complement: SRGAP3 is on the minus strand). VCF-style: chr3-9058299-G-C. GRCh37 (hg19) VCF-style: chr3-9099983-G-C.
Other names: c.975C>G, p.Val325= (NM_001033117.3).
Identifiers: ClinVar variation 775844 (VCV000775844.7), dbSNP rs61747290, ClinGen allele CA2237993.